The following is an entry in ClinVar:

ClinVar aggregate classification (germline): Uncertain significance. Review status: criteria provided, multiple submitters, no conflicts (2 of 4 stars). 2 submissions from 2 submitters: Uncertain significance (2). Last evaluated 2023-12-18.

Conditions:
Polycystic kidney disease, adult type (PKD1). Also called: POLYCYSTIC KIDNEY DISEASE 1 WITH OR WITHOUT POLYCYSTIC LIVER DISEASE; Polycystic Kidney Disease 1, Autosomal Dominant; Polycystic kidney disease 1; Polycystic kidney disease 1, severe; Polycystic Kidney, Autosomal Dominant; POLYCYSTIC KIDNEY DISEASE, ADULT, TYPE I. Identifiers: MedGen C3149841, MONDO:0008263, OMIM 173900.
Inborn genetic diseases. Identifiers: MedGen C0950123, MeSH D030342.

Allele frequency attached by ClinVar (database versions not stated): ExAC 0.00001; gnomAD 0.00001; gnomAD exomes 0.00001; TOPMed 0.00002.
gnomAD v4.1: 9 of 1,596,058 alleles (0.00056%); highest among the groups gnomAD compares: East Asian, 0.009%; no homozygotes.

Submissions (2):

Ambry Genetics
Classification: Uncertain significance for Inborn genetic diseases. Last evaluated: 2023-12-18. Review status: criteria provided, single submitter. Criteria: Ambry Variant Classification Scheme 2023. Collection method: clinical testing. Allele origin: germline.
Comment: The c.6915+4A>G intronic alteration consists of a A to G substitution nucleotides after coding exon 15 in the PKD1 gene. Based on insufficient or conflicting evidence, the clinical significance of this alteration remains unclear.

Juno Genomics, Hangzhou Juno Genomics, Inc
Classification: Uncertain significance for Polycystic kidney disease, adult type. Review status: criteria provided, single submitter. Criteria: ACMG Guidelines, 2015. Collection method: clinical testing. Allele origin: germline.
Comment: Absent from controls (or at extremely low frequency if recessive) in Genome Aggregation Database.;Multiple lines of computational evidence support a deleterious effect on the gene or gene product.

NM_001009944.3(PKD1):c.6915+4A>G

Gene: PKD1 (polycystin 1, transient receptor potential channel interacting; minus strand). Cytogenetic location: 16p13.3.
Variant type: single nucleotide variant.
Coding change: c.6915+4A>G on transcript NM_001009944.3 (MANE Select); 4 bases into the intron after coding-DNA position 6915, A replaced by G.
Molecular consequence: intron variant.
Genome position (GRCh38, 1-based): chr16:2,108,248, T>C on the plus strand (A>G on the coding strand, the complement: PKD1 is on the minus strand). VCF-style: chr16-2108248-T-C. GRCh37 (hg19) VCF-style: chr16-2158249-T-C.
Other names: c.6915+4A>G (NM_000296.4).
Identifiers: ClinVar variation 3213503 (VCV003213503.3), dbSNP rs774874586, ClinGen allele CA7831407.